The following is an entry in ClinVar:

NM_138694.4(PKHD1):c.6077del (p.Gly2026fs)

Gene: PKHD1 (PKHD1 ciliary IPT domain containing fibrocystin/polyductin; minus strand). Cytogenetic location: 6p12.2.
Variant type: Deletion.
Coding change: c.6077del on transcript NM_138694.4 (MANE Select); coding-DNA position 6077, one base deleted (G; older notation c.6077delG).
Protein change: p.Gly2026fs; shifts the reading frame from glycine 2026.
Molecular consequence: frameshift variant.
Genome position (GRCh38, 1-based): chr6:51,934,154, C deleted on the plus strand (G on the coding strand, the reverse complement: PKHD1 is on the minus strand); the first of 2 consecutive C bases (chr6:51,934,154-51,934,155); deleting either gives the same sequence. VCF-style (leftmost placement, unchanged base first): chr6-51934153-TC-T. GRCh37 (hg19) VCF-style: chr6-51798951-TC-T.
Other names: c.6077del, p.Gly2026fs (NM_170724.3); short protein forms G2026fs.
Identifiers: ClinVar variation 2713504 (VCV002713504.5), dbSNP rs2537010153, ClinGen allele CA2697553476.

ClinVar aggregate classification (germline): Pathogenic. Review status: criteria provided, multiple submitters, no conflicts (2 of 4 stars). 2 submissions from 2 submitters: Pathogenic (2). Last evaluated 2024-11-12.

Conditions:
Autosomal recessive polycystic kidney disease (ARPKD). Also called: AR polycystic kidney disease. Identifiers: Orphanet 731, Orphanet 8378, MedGen C0085548, MeSH D017044, MONDO:0009889.
Polycystic kidney disease 4 (PKD4). Also called: POLYCYSTIC KIDNEY AND HEPATIC DISEASE 1; POLYCYSTIC KIDNEY DISEASE, INFANTILE, TYPE I; PKD3; POLYCYSTIC KIDNEY DISEASE 4 WITH OR WITHOUT POLYCYSTIC LIVER DISEASE; Autosomal Recessive Polycystic Kidney Disease – PKHD1. Identifiers: MedGen C4540575, MONDO:0033004, OMIM 263200.

Submissions (2):

Victorian Clinical Genetics Services, Murdoch Childrens Research Institute
Classification: Pathogenic for Polycystic kidney disease 4. Last evaluated: 2024-11-12. Review status: criteria provided, single submitter. Criteria: ACMG Guidelines, 2015. Collection method: clinical testing. Allele origin: germline.
Comment: This variant is classified as Pathogenic. Evidence in support of pathogenic classification: Variant is predicted to cause nonsense-mediated decay (NMD) and loss of protein (premature termination codon is located at least 54 nucleotides upstream of the final exon-exon junction); Variant is absent from gnomAD (v2, v3 and v4); This variant has limited previous evidence of pathogenicity in an unrelated individual(s). It has been classified as pathogenic by a clinical laboratory (ClinVar); Other NMD-predicted variant(s) comparable to the one identified in this case have very strong previous evidence for pathogenicity (DECIPHER). Additional information: This variant is heterozygous; This gene is associated with autosomal recessive disease; however, there are emerging reports of heterozygous carriers of PKHD1 variants developing liver cysts and nephrocalcinosis (PMID: 21945273, 36691356); No published segregation evidence has been identified for this variant; No published functional evidence has been identified for this variant; Loss of function is a known mechanism of disease in this gene and is associated with polycystic kidney disease 4, with or without hepatic disease (MIM#263200); Variants in this gene are known to have variable expressivity. Significant intrafamilial variability has been reported (PMID: 20301501).

Labcorp Genetics (formerly Invitae), Labcorp
Classification: Pathogenic for Autosomal recessive polycystic kidney disease. Last evaluated: 2024-01-27. Review status: criteria provided, single submitter. Criteria: Invitae Variant Classification Sherloc (09022015). Collection method: clinical testing. Allele origin: germline.
Comment: This sequence change creates a premature translational stop signal (p.Gly2026Glufs*7) in the PKHD1 gene. It is expected to result in an absent or disrupted protein product. Loss-of-function variants in PKHD1 are known to be pathogenic (PMID: 19940839). This variant is not present in population databases (gnomAD no frequency). This variant has not been reported in the literature in individuals affected with PKHD1-related conditions. For these reasons, this variant has been classified as Pathogenic.

Literature cited by the submitters: PubMed 20301501 (cited by Victorian Clinical Genetics Services, Murdoch Childrens Research Institute); PubMed 36691356 (cited by Victorian Clinical Genetics Services, Murdoch Childrens Research Institute); PubMed 21945273 (cited by Victorian Clinical Genetics Services, Murdoch Childrens Research Institute); PubMed 19940839 (cited by Labcorp Genetics (formerly Invitae), Labcorp).